The following is an entry in ClinVar:

NM_178862.3(STT3B):c.13T>C (p.Ser5Pro)

Genes: STT3B (STT3 oligosaccharyltransferase complex catalytic subunit B; plus strand), LOC129936407 (ATAC-STARR-seq lymphoblastoid silent region 14161; plus strand). Cytogenetic location: 3p23.
Variant type: single nucleotide variant.
Coding change: c.13T>C on transcript NM_178862.3 (MANE Select); coding-DNA position 13, T replaced by C.
Protein change: p.Ser5Pro; replaces serine 5 with proline.
Molecular consequence: missense variant.
Genome position (GRCh38, 1-based): chr3:31,533,011, T>C. VCF-style: chr3-31533011-T-C. GRCh37 (hg19) VCF-style: chr3-31574503-T-C.
Other names: short protein forms S5P.
Identifiers: ClinVar variation 2827339 (VCV002827339.3), dbSNP rs2470544816, ClinGen allele CA351830906.

ClinVar aggregate classification (germline): Uncertain significance (1 of 4 stars; one submission).

Conditions:
STT3B-congenital disorder of glycosylation. Also called: STT3B-CDG; CDG Ix; Congenital disorder of glycosylation type 1x. Identifiers: Orphanet 370924, MedGen C2931007, MONDO:0014271, OMIM 615597.

Submission:

Labcorp Genetics (formerly Invitae), Labcorp
Classification: Uncertain significance for STT3B-congenital disorder of glycosylation. Last evaluated: 2023-01-09. Review status: criteria provided, single submitter. Criteria: Invitae Variant Classification Sherloc (09022015). Collection method: clinical testing. Allele origin: germline.
Comment: In summary, the available evidence is currently insufficient to determine the role of this variant in disease. Therefore, it has been classified as a Variant of Uncertain Significance. Algorithms developed to predict the effect of missense changes on protein structure and function (SIFT, PolyPhen-2, Align-GVGD) all suggest that this variant is likely to be tolerated. This variant has not been reported in the literature in individuals affected with STT3B-related conditions. This variant is not present in population databases (gnomAD no frequency). This sequence change replaces serine, which is neutral and polar, with proline, which is neutral and non-polar, at codon 5 of the STT3B protein (p.Ser5Pro).